The following is an entry in ClinVar:

ClinVar aggregate classification (germline): Benign/Likely benign. Review status: criteria provided, multiple submitters, no conflicts (2 of 4 stars). 2 submissions from 2 submitters: Benign (1); Likely benign (1). Last evaluated 2026-07-14.

Conditions:
Rhabdoid tumor predisposition syndrome 2 (RTPS2). Identifiers: Orphanet 231108, Orphanet 69077, MedGen C2750074, MONDO:0013224, OMIM 613325.

Submissions (2):

Myriad Genetics, Inc.
Classification: Benign for Rhabdoid tumor predisposition syndrome 2. Last evaluated: 2026-07-14. Review status: criteria provided, single submitter. Criteria: Myriad Autosomal Dominant, Autosomal Recessive and X-Linked Classification Criteria (2023). Collection method: clinical testing. Allele origin: unknown.
Comment: This variant is considered benign. This variant is a silent/synonymous amino acid change and it is not expected to impact splicing.

Labcorp Genetics (formerly Invitae), Labcorp
Classification: Likely benign for Rhabdoid tumor predisposition syndrome 2. Last evaluated: 2024-03-21. Review status: criteria provided, single submitter. Criteria: Invitae Variant Classification Sherloc (09022015). Collection method: clinical testing. Allele origin: germline.

NM_003072.5(SMARCA4):c.3204C>T (p.Gly1068=)

Gene: SMARCA4 (SWI/SNF related BAF chromatin remodeling complex subunit ATPase 4; plus strand). Cytogenetic location: 19p13.2.
Variant type: single nucleotide variant.
Coding change: c.3204C>T on transcript NM_003072.5 (MANE Select); coding-DNA position 3204, C replaced by T.
Protein change: p.Gly1068=; no amino-acid change (glycine 1068 retained).
Molecular consequence: synonymous variant. On other transcripts: non-coding transcript variant (1).
Genome position (GRCh38, 1-based): chr19:11,026,335, C>T. VCF-style: chr19-11026335-C-T. GRCh37 (hg19) VCF-style: chr19-11137011-C-T.
Other names: c.3204C>T, p.Gly1068= (NM_001128844.3, NM_001128845.2, NM_001128846.2 and 6 more transcripts).
Identifiers: ClinVar variation 3647112 (VCV003647112.3).